The following is an entry in ClinVar:

NM_000051.4(ATM):c.6096-3del

Genes: ATM (ATM serine/threonine kinase; plus strand), C11orf65 (chromosome 11 open reading frame 65; minus strand). Cytogenetic location: 11q22.3.
Variant type: Deletion.
Coding change: c.6096-3del on transcript NM_000051.4 (MANE Select); 3 bases into the intron before coding-DNA position 6096, one base deleted (T; older notation c.6096-3delT).
Molecular consequence: intron variant.
Genome position (GRCh38, 1-based): chr11:108,316,008, T deleted. VCF-style (leftmost placement, unchanged base first): chr11-108316007-AT-A. GRCh37 (hg19) VCF-style: chr11-108186734-AT-A.
Other names: c.6096-3del (NM_001351834.2); c.641-6937del (NM_001330368.2); c.*39-6937del (NM_001351110.2).
Identifiers: ClinVar variation 2809882 (VCV002809882.3), dbSNP rs2547093652, ClinGen allele CA2739265987.

ClinVar aggregate classification (germline): Uncertain significance (1 of 4 stars; one submission).

Conditions:
Ataxia-telangiectasia syndrome (AT). Also called: LOUIS-BAR SYNDROME; Cerebello-oculocutaneous telangiectasia; Immunodeficiency with ataxia telangiectasia; Ataxia telangiectasia (A-T); Ataxia-telangiectasia, complementation group D; AT, COMPLEMENTATION GROUP C. Identifiers: Orphanet 100, MedGen C0004135, MONDO:0008840, OMIM 208900.

Submission:

Labcorp Genetics (formerly Invitae), Labcorp
Classification: Uncertain significance for Ataxia-telangiectasia syndrome. Last evaluated: 2022-10-27. Review status: criteria provided, single submitter. Criteria: Invitae Variant Classification Sherloc (09022015). Collection method: clinical testing. Allele origin: germline.
Comment: This sequence change falls in intron 41 of the ATM gene. It does not directly change the encoded amino acid sequence of the ATM protein. It affects a nucleotide within the consensus splice site. This variant is not present in population databases (gnomAD no frequency). In summary, the available evidence is currently insufficient to determine the role of this variant in disease. Therefore, it has been classified as a Variant of Uncertain Significance. Variants that disrupt the consensus splice site are a relatively common cause of aberrant splicing (PMID: 17576681, 9536098). Algorithms developed to predict the effect of sequence changes on RNA splicing suggest that this variant may disrupt the consensus splice site. This variant has not been reported in the literature in individuals affected with ATM-related conditions.

Literature cited by the submitters: PubMed 17576681; PubMed 9536098.